The following is an entry in ClinVar:

NM_001184.4(ATR):c.2165_2167del (p.Phe722del)

Gene: ATR (ATR checkpoint kinase; minus strand). Cytogenetic location: 3q23.
Variant type: Deletion.
Coding change: c.2165_2167del on transcript NM_001184.4 (MANE Select); coding-DNA positions 2165 to 2167, 3 bases deleted (TTT; older notation c.2165_2167delTTT).
Protein change: p.Phe722del; deletes phenylalanine 722.
Molecular consequence: inframe deletion.
Genome position (GRCh38, 1-based): chr3:142,556,051-142,556,053, AAA deleted on the plus strand (TTT on the coding strand, the reverse complement: ATR is on the minus strand); deleting any 3 consecutive bases within chr3:142,556,051-142,556,054 gives the same sequence; the c. name uses the placement nearest the transcript's 3' end. VCF-style (leftmost placement, unchanged base first): chr3-142556050-TAAA-T. GRCh37 (hg19) VCF-style: chr3-142274892-TAAA-T.
Other names: c.1973_1975del, p.Phe658del (NM_001354579.2); short protein forms F722del, F658del.
Identifiers: ClinVar variation 2899768 (VCV002899768.3), dbSNP rs1364244707, ClinGen allele CA546893927.

ClinVar aggregate classification (germline): Uncertain significance (1 of 4 stars; one submission).

Submission:

Labcorp Genetics (formerly Invitae), Labcorp
Classification: Uncertain significance. Last evaluated: 2023-07-24. Review status: criteria provided, single submitter. Criteria: Invitae Variant Classification Sherloc (09022015). Collection method: clinical testing. Allele origin: germline.
Comment: This variant, c.2165_2167del, results in the deletion of 1 amino acid(s) of the ATR protein (p.Phe722del), but otherwise preserves the integrity of the reading frame. This variant is present in population databases (no rsID available, gnomAD 0.01%). This variant has not been reported in the literature in individuals affected with ATR-related conditions. Experimental studies and prediction algorithms are not available or were not evaluated, and the functional significance of this variant is currently unknown. Algorithms developed to predict the effect of sequence changes on RNA splicing suggest that this variant may disrupt the consensus splice site. In summary, the available evidence is currently insufficient to determine the role of this variant in disease. Therefore, it has been classified as a Variant of Uncertain Significance.